The following is an entry in ClinVar:

NM_017654.4(SAMD9):c.4723G>A (p.Gly1575Arg)

Gene: SAMD9 (sterile alpha motif domain containing 9; minus strand). Cytogenetic location: 7q21.2.
Variant type: single nucleotide variant.
Coding change: c.4723G>A on transcript NM_017654.4 (MANE Select); coding-DNA position 4723, G replaced by A.
Protein change: p.Gly1575Arg; replaces glycine 1575 with arginine.
Molecular consequence: missense variant.
Genome position (GRCh38, 1-based): chr7:93,101,375, C>T on the plus strand (G>A on the coding strand, the complement: SAMD9 is on the minus strand). VCF-style: chr7-93101375-C-T. GRCh37 (hg19) VCF-style: chr7-92730688-C-T.
Other names: c.4723G>A, p.Gly1575Arg (NM_001193307.2); short protein forms G1575R.
Identifiers: ClinVar variation 4159132 (VCV004159132.1).

ClinVar aggregate classification (germline): Uncertain significance (1 of 4 stars; one submission).

Conditions:
Inborn genetic diseases. Identifiers: MedGen C0950123, MeSH D030342.

gnomAD v4.1: 1 of 1,613,444 alleles (0.000062%); highest among the groups gnomAD compares: South Asian, 0.0011%; no homozygotes.

Submission:

Ambry Genetics
Classification: Uncertain significance for Inborn genetic diseases. Last evaluated: 2025-08-07. Review status: criteria provided, single submitter. Criteria: Ambry Variant Classification Scheme 2023. Collection method: clinical testing. Allele origin: germline.
Comment: The p.G1575R variant (also known as c.4723G>A), located in coding exon 1 of the SAMD9 gene, results from a G to A substitution at nucleotide position 4723. The glycine at codon 1575 is replaced by arginine, an amino acid with dissimilar properties. This amino acid position is conserved. In addition, this alteration is predicted to be deleterious by in silico analysis. Based on the available evidence, the clinical significance of this variant remains unclear.